The following is an entry in ClinVar:

NM_006432.5(NPC2):c.363+154A>G

Gene: NPC2 (NPC intracellular cholesterol transporter 2; minus strand). Cytogenetic location: 14q24.3.
Variant type: single nucleotide variant.
Coding change: c.363+154A>G on transcript NM_006432.5 (MANE Select); 154 bases into the intron after coding-DNA position 363, A replaced by G.
Molecular consequence: intron variant.
Genome position (GRCh38, 1-based): chr14:74,484,261, T>C on the plus strand (A>G on the coding strand, the complement: NPC2 is on the minus strand). VCF-style: chr14-74484261-T-C. GRCh37 (hg19) VCF-style: chr14-74950964-T-C.
Other names: c.363+154A>G (NM_001363688.1, NM_001375440.1).
Identifiers: ClinVar variation 680699 (VCV000680699.2), dbSNP rs10148268, ClinGen allele CA13995462.

ClinVar aggregate classification (germline): Benign. Review status: criteria provided, multiple submitters, no conflicts (2 of 4 stars). 2 submissions from 2 submitters: Benign (2). Last evaluated 2018-06-19.

Allele frequency attached by ClinVar (database versions not stated): gnomAD exomes 0.18912; gnomAD 0.22731 and 0.22801; TOPMed 0.24137; 1000 Genomes Project 0.27077; 1000 Genomes Project 30x 0.27171.
gnomAD v4.1: 153,333 of 779,108 alleles (20%); highest among the groups gnomAD compares: African/African-American, 33%; 16,621 homozygotes.

Submissions (2):

GeneDx
Classification: Benign. Last evaluated: 2018-06-19. Review status: criteria provided, single submitter. Criteria: GeneDx Variant Classification (06012015). Collection method: clinical testing. Allele origin: germline. Affected: yes.
Comment: This variant is considered likely benign or benign based on one or more of the following criteria: it is a conservative change, it occurs at a poorly conserved position in the protein, it is predicted to be benign by multiple in silico algorithms, and/or has population frequency not consistent with disease.

Breakthrough Genomics
Classification: Benign. Review status: criteria provided, single submitter. Criteria: ACMG Guidelines, 2015. Collection method: not provided. Allele origin: germline. Inheritance: Autosomal recessive inheritance. Affected: yes.